The following is an entry in ClinVar:

ClinVar aggregate classification (germline): Uncertain significance (1 of 4 stars; one submission).

Conditions:
Glycogen storage disease, type II (IOPD). Also called: CARDIOMEGALIA GLYCOGENICA DIFFUSA; POMPE DISEASE, INFANTILE-ONSET; GLYCOGEN STORAGE DISEASE II, INFANTILE-ONSET; ACID ALPHA-GLUCOSIDASE DEFICIENCY, INFANTILE-ONSET; GAA DEFICIENCY, INFANTILE-ONSET; ACID MALTASE DEFICIENCY, INFANTILE-ONSET. Identifiers: Orphanet 365, MedGen C0017921, MONDO:0009290, OMIM 232300.

Submission:

Labcorp Genetics (formerly Invitae), Labcorp
Classification: Uncertain significance for Glycogen storage disease, type II. Last evaluated: 2021-04-21. Review status: criteria provided, single submitter. Criteria: Invitae Variant Classification Sherloc (09022015). Collection method: clinical testing. Allele origin: germline.
Comment: In summary, the available evidence is currently insufficient to determine the role of this variant in disease. Therefore, it has been classified as a Variant of Uncertain Significance. Algorithms developed to predict the effect of missense changes on protein structure and function are either unavailable or do not agree on the potential impact of this missense change (SIFT: "Deleterious"; PolyPhen-2: "Benign"; Align-GVGD: "Class C15"). This variant has not been reported in the literature in individuals with GAA-related conditions. This variant is not present in population databases (ExAC no frequency). This sequence change replaces tryptophan with arginine at codon 804 of the GAA protein (p.Trp804Arg). The tryptophan residue is highly conserved and there is a moderate physicochemical difference between tryptophan and arginine.

NM_000152.5(GAA):c.2410T>C (p.Trp804Arg)

Gene: GAA (alpha glucosidase; plus strand). Cytogenetic location: 17q25.3.
Variant type: single nucleotide variant.
Coding change: c.2410T>C on transcript NM_000152.5 (MANE Select); coding-DNA position 2410, T replaced by C.
Protein change: p.Trp804Arg; replaces tryptophan 804 with arginine.
Molecular consequence: missense variant.
Genome position (GRCh38, 1-based): chr17:80,117,678, T>C. VCF-style: chr17-80117678-T-C. GRCh37 (hg19) VCF-style: chr17-78091477-T-C.
Other names: c.2410T>C, p.Trp804Arg (NM_001079803.3, NM_001079804.3); short protein forms W804R.
Identifiers: ClinVar variation 1389370 (VCV001389370.8), dbSNP rs2143925115, ClinGen allele CA401325123.